The following is an entry in ClinVar:

ClinVar aggregate classification (germline): Pathogenic (1 of 4 stars; one submission).

Conditions:
Hereditary cancer-predisposing syndrome. Also called: Neoplastic Syndromes, Hereditary; Tumor predisposition; Hereditary Cancer Syndrome; Hereditary neoplastic syndrome. Identifiers: Orphanet 140162, MedGen C0027672, MeSH D009386, MONDO:0015356.

Submission:

Ambry Genetics
Classification: Pathogenic for Hereditary cancer-predisposing syndrome. Last evaluated: 2026-02-04. Review status: criteria provided, single submitter. Criteria: Ambry Variant Classification Scheme 2023. Collection method: clinical testing. Allele origin: germline.
Comment: The c.2236_2246del11 pathogenic mutation, located in coding exon 15 of the CTNNA1 gene, results from a deletion of 11 nucleotides at nucleotide positions 2236 to 2246, causing a translational frameshift with a predicted alternate stop codon (p.A746Cfs*2). This variant is considered to be rare based on population cohorts in the Genome Aggregation Database (gnomAD). This alteration is expected to result in loss of function by premature protein truncation or nonsense-mediated mRNA decay. As such, this alteration is interpreted as a disease-causing mutation.

NM_001903.5(CTNNA1):c.2236_2246del (p.Ala746fs)

Gene: CTNNA1 (catenin alpha 1; plus strand). Cytogenetic location: 5q31.2.
Variant type: Deletion.
Coding change: c.2236_2246del on transcript NM_001903.5 (MANE Select); coding-DNA positions 2236 to 2246, 11 bases deleted (GCCAAGAAAAT).
Protein change: p.Ala746fs; shifts the reading frame from alanine 746.
Molecular consequence: frameshift variant.
Genome position (GRCh38, 1-based): chr5:138,930,873-138,930,883, GCCAAGAAAAT deleted; deleting any 11 consecutive bases within chr5:138,930,872-138,930,883 gives the same sequence; the c. name uses the placement nearest the transcript's 3' end. VCF-style (leftmost placement, unchanged base first): chr5-138930871-CTGCCAAGAAAA-C. GRCh37 (hg19) VCF-style: chr5-138266560-CTGCCAAGAAAA-C.
Other names: c.2236_2246del, p.Ala746fs (NM_001323983.1, NM_001323984.2, NM_001323985.2 and 2 more transcripts); c.2143_2153del, p.Ala715fs (NM_001323986.2); c.1126_1136del, p.Ala376fs (NM_001323987.1, NM_001323988.1, NM_001323989.1 and 17 more transcripts); c.1927_1937del, p.Ala643fs (NM_001290309.3); c.1867_1877del, p.Ala623fs (NM_001290310.3); c.787_797del, p.Ala263fs (NM_001324006.1, NM_001324010.1, NM_001324007.1 and 2 more transcripts); c.1033_1043del, p.Ala345fs (NM_001324011.1); c.883_893del, p.Ala295fs (NM_001324012.1, NM_001324013.1); short protein forms A263fs, A345fs, A746fs, A295fs, A376fs, A643fs, A623fs, A715fs.
Identifiers: ClinVar variation 4844447 (VCV004844447.1).